The following is an entry in ClinVar:

NM_181882.3(PRX):c.1859A>G (p.Glu620Gly)

Gene: PRX (periaxin; minus strand). Cytogenetic location: 19q13.2.
Variant type: single nucleotide variant.
Coding change: c.1859A>G on transcript NM_181882.3 (MANE Select); coding-DNA position 1859, A replaced by G.
Protein change: p.Glu620Gly; replaces glutamic acid 620 with glycine.
Molecular consequence: missense variant. On other transcripts: 3 prime UTR variant (1).
Genome position (GRCh38, 1-based): chr19:40,396,493, T>C on the plus strand (A>G on the coding strand, the complement: PRX is on the minus strand). VCF-style: chr19-40396493-T-C. GRCh37 (hg19) VCF-style: chr19-40902400-T-C.
Other names: c.*2064A>G (NM_020956.2); short protein forms E620G.
Identifiers: ClinVar variation 850096 (VCV000850096.9), dbSNP rs1395113048, ClinGen allele CA405897516.

ClinVar aggregate classification (germline): Uncertain significance (1 of 4 stars; one submission).

Conditions:
Charcot-Marie-Tooth disease type 4. Also called: Charcot-Marie-Tooth disease, type IV; Charcot-Marie-Tooth, Type 4. Identifiers: Orphanet 64749, MedGen C4082197, MONDO:0018995.

Allele frequency attached by ClinVar (database versions not stated): gnomAD exomes below 0.00001.

Submission:

Labcorp Genetics (formerly Invitae), Labcorp
Classification: Uncertain significance for Charcot-Marie-Tooth disease type 4. Last evaluated: 2020-02-14. Review status: criteria provided, single submitter. Criteria: Invitae Variant Classification Sherloc (09022015). Collection method: clinical testing. Allele origin: germline.
Comment: This sequence change replaces glutamic acid with glycine at codon 620 of the PRX protein (p.Glu620Gly). The glutamic acid residue is weakly conserved and there is a moderate physicochemical difference between glutamic acid and glycine. This variant is not present in population databases (ExAC no frequency). This variant has not been reported in the literature in individuals with PRX-related conditions. Algorithms developed to predict the effect of missense changes on protein structure and function are either unavailable or do not agree on the potential impact of this missense change (SIFT: "Tolerated"; PolyPhen-2: "Possibly Damaging"; Align-GVGD: "Class C0"). In summary, the available evidence is currently insufficient to determine the role of this variant in disease. Therefore, it has been classified as a Variant of Uncertain Significance.